The following is an entry in ClinVar:

ClinVar aggregate classification (germline): Uncertain significance. Review status: criteria provided, multiple submitters, no conflicts (2 of 4 stars). 3 submissions from 3 submitters: Uncertain significance (3). Last evaluated 2025-03-24.

Submissions (3):

Ambry Genetics
Classification: Uncertain significance. Last evaluated: 2025-03-24. Review status: criteria provided, single submitter. Criteria: Ambry Variant Classification Scheme 2023. Collection method: clinical testing. Allele origin: germline.
Comment: The p.P233S variant (also known as c.697C>T), located in coding exon 5 of the RECQL gene, results from a C to T substitution at nucleotide position 697. The proline at codon 233 is replaced by serine, an amino acid with similar properties. This amino acid position is highly conserved in available vertebrate species. In addition, the in silico prediction for this alteration is inconclusive. Since supporting evidence is limited at this time, the clinical significance of this alteration remains unclear.

Labcorp Genetics (formerly Invitae), Labcorp
Classification: Uncertain significance. Last evaluated: 2024-05-06. Review status: criteria provided, single submitter. Criteria: Invitae Variant Classification Sherloc (09022015). Collection method: clinical testing. Allele origin: germline.
Comment: This sequence change replaces proline, which is neutral and non-polar, with serine, which is neutral and polar, at codon 233 of the RECQL protein (p.Pro233Ser). This variant is not present in population databases (gnomAD no frequency). This variant has not been reported in the literature in individuals affected with RECQL-related conditions. ClinVar contains an entry for this variant (Variation ID: 1756419). Advanced modeling of protein sequence and biophysical properties (such as structural, functional, and spatial information, amino acid conservation, physicochemical variation, residue mobility, and thermodynamic stability) performed at Invitae indicates that this missense variant is not expected to disrupt RECQL protein function with a negative predictive value of 80%. In summary, the available evidence is currently insufficient to determine the role of this variant in disease. Therefore, it has been classified as a Variant of Uncertain Significance.

Blueprint Genetics
Classification: Uncertain significance. Last evaluated: 2022-07-17. Review status: criteria provided, single submitter. Criteria: ACMG Guidelines, 2015. Collection method: clinical testing. Allele origin: germline.

NM_002907.4(RECQL):c.697C>T (p.Pro233Ser)

Gene: RECQL (RecQ like helicase; minus strand). Cytogenetic location: 12p12.1.
Variant type: single nucleotide variant.
Coding change: c.697C>T on transcript NM_002907.4 (MANE Select); coding-DNA position 697, C replaced by T.
Protein change: p.Pro233Ser; replaces proline 233 with serine.
Molecular consequence: missense variant.
Genome position (GRCh38, 1-based): chr12:21,483,379, G>A on the plus strand (C>T on the coding strand, the complement: RECQL is on the minus strand). VCF-style: chr12-21483379-G-A. GRCh37 (hg19) VCF-style: chr12-21636313-G-A.
Other names: c.697C>T, p.Pro233Ser (NM_032941.3); short protein forms P233S.
Identifiers: ClinVar variation 1756419 (VCV001756419.10), dbSNP rs371196239, ClinGen allele CA384126562.